The following is an entry in ClinVar:

ClinVar aggregate classification (germline): Pathogenic (1 of 4 stars; one submission).

Conditions:
Cockayne syndrome type 1. Also called: Cockayne syndrome type I; Cockayne syndrome classical; Cockayne syndrome classic form. Identifiers: Orphanet 191, Orphanet 90321, MedGen C0751039, MONDO:0019569, OMIM 216400.

Submission:

Myriad Genetics, Inc.
Classification: Pathogenic for Cockayne syndrome type 1. Last evaluated: 2024-11-13. Review status: criteria provided, single submitter. Criteria: Myriad Autosomal Dominant, Autosomal Recessive and X-Linked Classification Criteria (2023). Collection method: clinical testing. Allele origin: unknown.
Comment: NM_000082.3(ERCC8):c.115dupG(E39Gfs*9) is expected to be pathogenic in the context of ERCC8-related disorders. This variant is predicted to lead to an abnormal or absent protein product due to the creation of a premature termination codon in ERCC8, a gene where loss-of-function variants are known to be pathogenic. Please note: this variant was assessed in the context of healthy population screening.

NM_000082.4(ERCC8):c.115dup (p.Glu39fs)

Gene: ERCC8 (ERCC excision repair 8, CSA ubiquitin ligase complex subunit; minus strand). Cytogenetic location: 5q12.1.
Variant type: Duplication.
Coding change: c.115dup on transcript NM_000082.4 (MANE Select); coding-DNA position 115, one base duplicated (G; older notation c.115dupG).
Protein change: p.Glu39fs; shifts the reading frame from glutamic acid 39.
Molecular consequence: frameshift variant. On other transcripts: 5 prime UTR variant (2).
Genome position (GRCh38, 1-based): chr5:60,928,922, C duplicated on the plus strand (G on the coding strand, the reverse complement: ERCC8 is on the minus strand). VCF-style (leftmost placement, unchanged base first): chr5-60928921-T-TC. GRCh37 (hg19) VCF-style: chr5-60224748-T-TC.
Other names: c.-278dup (NM_001007233.3); c.115dup, p.Glu39fs (NM_001007234.3); c.-263dup (NM_001290285.2); short protein forms E39fs.
Identifiers: ClinVar variation 5013746 (VCV005013746.1).